The following is an entry in ClinVar:

NM_032043.3(BRIP1):c.441C>A (p.Tyr147Ter)

Gene: BRIP1 (BRCA1 interacting DNA helicase 1; minus strand). Cytogenetic location: 17q23.2.
Variant type: single nucleotide variant.
Coding change: c.441C>A on transcript NM_032043.3 (MANE Select); coding-DNA position 441, C replaced by A.
Protein change: p.Tyr147Ter; replaces tyrosine 147 with a stop codon.
Molecular consequence: nonsense.
Genome position (GRCh38, 1-based): chr17:61,849,195, G>T on the plus strand (C>A on the coding strand, the complement: BRIP1 is on the minus strand). VCF-style: chr17-61849195-G-T. GRCh37 (hg19) VCF-style: chr17-59926556-G-T.
Other names: short protein forms Y147*.
Identifiers: ClinVar variation 1453902 (VCV001453902.9), dbSNP rs1603362622, ClinGen allele CA400484491.

ClinVar aggregate classification (germline): Pathogenic (1 of 4 stars; one submission).

Conditions:
Familial cancer of breast. Also called: hereditary breast carcinoma; BREAST CANCER, FAMILIAL; Hereditary breast cancer. Identifiers: Orphanet 227535, MedGen C0346153, MONDO:0016419, OMIM 114480. Disease mechanism: loss of function.
Fanconi anemia complementation group J. Also called: BRIP1-Related Fanconi Anemia. Identifiers: Orphanet 84, MedGen C1836860, MONDO:0012187, OMIM 609054.

Submission:

Labcorp Genetics (formerly Invitae), Labcorp
Classification: Pathogenic for Familial cancer of breast; Fanconi anemia complementation group J. Last evaluated: 2021-03-22. Review status: criteria provided, single submitter. Criteria: Invitae Variant Classification Sherloc (09022015). Collection method: clinical testing. Allele origin: germline.
Comment: For these reasons, this variant has been classified as Pathogenic. This nonsense change has been observed in individual(s) with breast or pancreatic cancer (PMID: 25452441, 29961768). This variant is not present in population databases (ExAC no frequency). This sequence change creates a premature translational stop signal (p.Tyr147*) in the BRIP1 gene. It is expected to result in an absent or disrupted protein product. Loss-of-function variants in BRIP1 are known to be pathogenic (PMID: 16116423, 17033622, 21964575).

Literature cited by the submitters: PubMed 25452441; PubMed 29961768; PubMed 16116423; PubMed 17033622; PubMed 21964575.